The following is an entry in ClinVar:

NM_001330260.2(SCN8A):c.3377T>A (p.Leu1126Gln)

Gene: SCN8A (sodium voltage-gated channel alpha subunit 8; plus strand). Cytogenetic location: 12q13.13.
Variant type: single nucleotide variant.
Coding change: c.3377T>A on transcript NM_001330260.2 (MANE Select); coding-DNA position 3377, T replaced by A.
Protein change: p.Leu1126Gln; replaces leucine 1126 with glutamine.
Molecular consequence: missense variant.
Genome position (GRCh38, 1-based): chr12:51,769,872, T>A. VCF-style: chr12-51769872-T-A. GRCh37 (hg19) VCF-style: chr12-52163656-T-A.
Other names: c.3377T>A, p.Leu1126Gln (NM_001177984.3, NM_001369788.1, NM_014191.4); short protein forms L1126Q.
Identifiers: ClinVar variation 957109 (VCV000957109.11), dbSNP rs977168749, ClinGen allele CA236319059.

ClinVar aggregate classification (germline): Uncertain significance. Review status: criteria provided, multiple submitters, no conflicts (2 of 4 stars). 2 submissions from 2 submitters: Uncertain significance (2). Last evaluated 2024-01-29.

Conditions:
Early-infantile DEE. Also called: Early infantile epileptic encephalopathy; Ohtahara syndrome; Early infantile epileptic encephalopathy with suppression bursts. Identifiers: Orphanet 1934, MedGen C0393706, MONDO:0800491.

Allele frequency attached by ClinVar (database versions not stated): TOPMed below 0.00001.

Submissions (2):

Labcorp Genetics (formerly Invitae), Labcorp
Classification: Uncertain significance for Early-infantile DEE. Last evaluated: 2024-01-29. Review status: criteria provided, single submitter. Criteria: Invitae Variant Classification Sherloc (09022015). Collection method: clinical testing. Allele origin: germline.
Comment: This sequence change replaces leucine, which is neutral and non-polar, with glutamine, which is neutral and polar, at codon 1126 of the SCN8A protein (p.Leu1126Gln). This variant is not present in population databases (gnomAD no frequency). This variant has not been reported in the literature in individuals affected with SCN8A-related conditions. ClinVar contains an entry for this variant (Variation ID: 957109). Advanced modeling of protein sequence and biophysical properties (such as structural, functional, and spatial information, amino acid conservation, physicochemical variation, residue mobility, and thermodynamic stability) performed at Invitae indicates that this missense variant is not expected to disrupt SCN8A protein function with a negative predictive value of 95%. In summary, the available evidence is currently insufficient to determine the role of this variant in disease. Therefore, it has been classified as a Variant of Uncertain Significance.

GeneDx
Classification: Uncertain significance. Last evaluated: 2022-09-08. Review status: criteria provided, single submitter. Criteria: GeneDx Variant Classification Process June 2021. Collection method: clinical testing. Allele origin: germline. Affected: yes.
Comment: Not observed at significant frequency in large population cohorts (gnomAD); Missense variants in this gene are often considered pathogenic (HGMD); This substitution is predicted to be in the cytoplasmic loop between the second and third homologous domains; In silico analysis supports that this missense variant has a deleterious effect on protein structure/function; Has not been previously published as pathogenic or benign to our knowledge